The following is an entry in ClinVar:

ClinVar aggregate classification (germline): Conflicting classifications of pathogenicity. Review status: criteria provided, conflicting classifications (1 of 4 stars). 2 submissions from 2 submitters: Uncertain significance (1); Likely benign (1). Last evaluated 2023-08-29.

Conditions:
Methylmalonic aciduria, cblA type (MACA). Also called: Methylmalonic aciduria, vitamin B12-responsive; Methylmalonic aciduria, vitamin b12-responsive, due to defect in synthesis of adenosylcobalamin, cbla complementation type; MMA cbl A type; Methylmalonic acidemia cblA type; Vitamin B12-responsive methylmalonic acidemia type cblA. Identifiers: Orphanet 28, Orphanet 79310, MedGen C1855109, MONDO:0009613, OMIM 251100.

Submissions (2):

Labcorp Genetics (formerly Invitae), Labcorp
Classification: Likely benign for Methylmalonic aciduria, cblA type. Last evaluated: 2023-08-29. Review status: criteria provided, single submitter. Criteria: Invitae Variant Classification Sherloc (09022015). Collection method: clinical testing. Allele origin: germline.

Laboratorio de Genetica e Diagnostico Molecular, Hospital Israelita Albert Einstein
Classification: Uncertain significance. Last evaluated: 2021-01-27. Review status: criteria provided, single submitter. Criteria: ACMG Guidelines, 2015. Collection method: clinical testing. Allele origin: germline. Affected: yes.
Comment: ACMG classification criteria: PM2

NM_172250.3(MMAA):c.1005C>A (p.Ile335=)

Gene: MMAA (metabolism of cobalamin associated A; plus strand). Cytogenetic location: 4q31.21.
Variant type: single nucleotide variant.
Coding change: c.1005C>A on transcript NM_172250.3 (MANE Select); coding-DNA position 1005, C replaced by A.
Protein change: p.Ile335=; no amino-acid change (isoleucine 335 retained).
Molecular consequence: synonymous variant.
Genome position (GRCh38, 1-based): chr4:145,655,182, C>A. VCF-style: chr4-145655182-C-A. GRCh37 (hg19) VCF-style: chr4-146576334-C-A.
Other names: c.1005C>A, p.Ile335= (NM_001375644.1).
Identifiers: ClinVar variation 1690630 (VCV001690630.5), dbSNP rs2126629821, ClinGen allele CA441717447.
Genomic context (GRCh38, chr4:145,655,182, plus strand): 5'-GGTCTGGTTCTTCCCTTTTCGATAGGTAATTCGTATTTCTGCCCGAAGTGGAGAGGGGAT[C>A]TCTGAAATGTGGGATAAAATGAAAGATTTCCAGGACCTAATGCTTGCCAGTGGGGAGCTG-3'
Protein context (NP_758454.1, residues 325-345): IRISARSGEG[Ile335=]SEMWDKMKDF